The following is an entry in ClinVar:

NM_024753.5(TTC21B):c.1186-4C>G

Gene: TTC21B (tetratricopeptide repeat domain 21B; minus strand). Cytogenetic location: 2q24.3.
Variant type: single nucleotide variant.
Coding change: c.1186-4C>G on transcript NM_024753.5 (MANE Select); 4 bases into the intron before coding-DNA position 1186, C replaced by G.
Molecular consequence: intron variant.
Genome position (GRCh38, 1-based): chr2:165,929,339, G>C on the plus strand (C>G on the coding strand, the complement: TTC21B is on the minus strand). VCF-style: chr2-165929339-G-C. GRCh37 (hg19) VCF-style: chr2-166785849-G-C.
Identifiers: ClinVar variation 4987117 (VCV004987117.1).

ClinVar aggregate classification (germline): Likely benign (1 of 4 stars; one submission).

Conditions:
TTC21B-related disorder. Also called: TTC21B-related condition; TTC21B-related disorders.

Submission:

PreventionGenetics, part of Exact Sciences
Classification: Likely benign for TTC21B-related condition. Last evaluated: 2025-02-26. Review status: criteria provided, single submitter. Criteria: ACMG Guidelines, 2015. Collection method: clinical testing. Allele origin: germline.
Comment: This variant is classified as likely benign based on ACMG/AMP sequence variant interpretation guidelines (Richards et al. 2015 PMID: 25741868, with internal and published modifications).